The following is an entry in ClinVar:

NM_004999.4(MYO6):c.651+6T>C

Gene: MYO6 (myosin VI; plus strand). Cytogenetic location: 6q14.1.
Variant type: single nucleotide variant.
Coding change: c.651+6T>C on transcript NM_004999.4 (MANE Select); 6 bases into the intron after coding-DNA position 651, T replaced by C.
Molecular consequence: intron variant.
Genome position (GRCh38, 1-based): chr6:75,840,688, T>C. VCF-style: chr6-75840688-T-C. GRCh37 (hg19) VCF-style: chr6-76550405-T-C.
Other names: c.651+6T>C (NM_001368865.1, NM_001368866.1, NM_001368137.1 and 4 more transcripts); c.636+6T>C (NM_001368138.1).
Identifiers: ClinVar variation 4740499 (VCV004740499.1).

ClinVar aggregate classification (germline): Uncertain significance (1 of 4 stars; one submission).

gnomAD v4.1: 24 of 1,591,950 alleles (0.0015%); highest among the groups gnomAD compares: Non-Finnish European, 0.002%; no homozygotes.

Submission:

Labcorp Genetics (formerly Invitae), Labcorp
Classification: Uncertain significance. Last evaluated: 2025-07-22. Review status: criteria provided, single submitter. Criteria: Invitae Variant Classification Sherloc (09022015). Collection method: clinical testing. Allele origin: germline.
Comment: This sequence change falls in intron 8 of the MYO6 gene. It does not directly change the encoded amino acid sequence of the MYO6 protein. It affects a nucleotide within the consensus splice site. This variant is present in population databases (rs747250541, gnomAD 0.005%). This variant has not been reported in the literature in individuals affected with MYO6-related conditions. Variants that disrupt the consensus splice site are a relatively common cause of aberrant splicing (PMID: 17576681, 9536098). Algorithms developed to predict the effect of sequence changes on RNA splicing suggest that this variant is not likely to affect RNA splicing. In summary, the available evidence is currently insufficient to determine the role of this variant in disease. Therefore, it has been classified as a Variant of Uncertain Significance.

Literature cited by the submitters: PubMed 17576681; PubMed 9536098.